The following is an entry in ClinVar:

ClinVar aggregate classification (germline): Conflicting classifications of pathogenicity. Review status: criteria provided, conflicting classifications (1 of 4 stars). 3 submissions from 3 submitters: Uncertain significance (2); Benign (1). Last evaluated 2025-10-24.

Conditions:
Fanconi anemia complementation group O. Also called: RAD51C-Related Fanconi Anemia. Identifiers: Orphanet 84, MedGen C3150653, MONDO:0013248, OMIM 613390.
Hereditary cancer-predisposing syndrome. Also called: Hereditary neoplastic syndrome; Neoplastic Syndromes, Hereditary; Tumor predisposition; Hereditary Cancer Syndrome. Identifiers: Orphanet 140162, MedGen C0027672, MeSH D009386, MONDO:0015356.
Breast-ovarian cancer, familial, susceptibility to, 3. Also called: RAD51C-Related Breast/Ovarian Cancer. Identifiers: Orphanet 145, MedGen C3150659, MONDO:0013253, OMIM 613399.

Submissions (3):

Ambry Genetics
Classification: Benign for Hereditary cancer-predisposing syndrome. Last evaluated: 2025-10-24. Review status: criteria provided, single submitter. Criteria: Ambry Variant Classification Scheme 2023. Collection method: clinical testing. Allele origin: germline.

Labcorp Genetics (formerly Invitae), Labcorp
Classification: Uncertain significance for Fanconi anemia complementation group O. Last evaluated: 2025-07-31. Review status: criteria provided, single submitter. Criteria: Invitae Variant Classification Sherloc (09022015). Collection method: clinical testing. Allele origin: germline.
Comment: This sequence change replaces cysteine, which is neutral and slightly polar, with tyrosine, which is neutral and polar, at codon 85 of the RAD51C protein (p.Cys85Tyr). This variant is not present in population databases (gnomAD no frequency). This variant has not been reported in the literature in individuals affected with RAD51C-related conditions. ClinVar contains an entry for this variant (Variation ID: 484730). Invitae Evidence Modeling of protein sequence and biophysical properties (such as structural, functional, and spatial information, amino acid conservation, physicochemical variation, residue mobility, and thermodynamic stability) indicates that this missense variant is not expected to disrupt RAD51C protein function with a negative predictive value of 80%. In summary, the available evidence is currently insufficient to determine the role of this variant in disease. Therefore, it has been classified as a Variant of Uncertain Significance.

Baylor Genetics
Classification: Uncertain significance for Breast-ovarian cancer, familial, susceptibility to, 3. Last evaluated: 2023-07-14. Review status: criteria provided, single submitter. Criteria: ACMG Guidelines, 2015. Collection method: clinical testing. Allele origin: unknown.

NM_058216.3(RAD51C):c.254G>A (p.Cys85Tyr)

Gene: RAD51C (RAD51 paralog C; plus strand). Cytogenetic location: 17q22.
Variant type: single nucleotide variant.
Coding change: c.254G>A on transcript NM_058216.3 (MANE Select); coding-DNA position 254, G replaced by A.
Protein change: p.Cys85Tyr; replaces cysteine 85 with tyrosine.
Molecular consequence: missense variant. On other transcripts: non-coding transcript variant (2).
Genome position (GRCh38, 1-based): chr17:58,695,039, G>A. VCF-style: chr17-58695039-G-A. GRCh37 (hg19) VCF-style: chr17-56772400-G-A.
Other names: c.254G>A, p.Cys85Tyr (NM_002876.4); short protein forms C85Y.
Identifiers: ClinVar variation 484730 (VCV000484730.16), dbSNP rs1555593627, ClinGen allele CA400340441.